The following is an entry in ClinVar:

NM_005744.5(ARIH1):c.1589+5T>A

Gene: ARIH1 (ariadne RBR E3 ubiquitin protein ligase 1; plus strand). Cytogenetic location: 15q24.1.
Variant type: single nucleotide variant.
Coding change: c.1589+5T>A on transcript NM_005744.5 (MANE Select); 5 bases into the intron after coding-DNA position 1589, T replaced by A.
Molecular consequence: intron variant.
Genome position (GRCh38, 1-based): chr15:72,582,192, T>A. VCF-style: chr15-72582192-T-A. GRCh37 (hg19) VCF-style: chr15-72874533-T-A.
Identifiers: ClinVar variation 2029943 (VCV002029943.4), dbSNP rs1289506816, ClinGen allele CA618954136.

ClinVar aggregate classification (germline): Uncertain significance (1 of 4 stars; one submission).

Allele frequency attached by ClinVar (database versions not stated): gnomAD exomes below 0.00001.
gnomAD v4.1: 1 of 1,531,896 alleles (0.000065%); highest among the groups gnomAD compares: Non-Finnish European, 0.000089%; no homozygotes.

Submission:

Labcorp Genetics (formerly Invitae), Labcorp
Classification: Uncertain significance. Last evaluated: 2022-09-10. Review status: criteria provided, single submitter. Criteria: Invitae Variant Classification Sherloc (09022015). Collection method: clinical testing. Allele origin: germline.
Comment: In summary, the available evidence is currently insufficient to determine the role of this variant in disease. Therefore, it has been classified as a Variant of Uncertain Significance. Variants that disrupt the consensus splice site are a relatively common cause of aberrant splicing (PMID: 17576681, 9536098). Algorithms developed to predict the effect of sequence changes on RNA splicing suggest that this variant is not likely to affect RNA splicing. This variant has not been reported in the literature in individuals affected with ARIH1-related conditions. This variant is present in population databases (no rsID available, gnomAD 0.001%). This sequence change falls in intron 13 of the ARIH1 gene. It does not directly change the encoded amino acid sequence of the ARIH1 protein. It affects a nucleotide within the consensus splice site.

Literature cited by the submitters: PubMed 17576681; PubMed 9536098.